The following is an entry in ClinVar:

NM_006231.4(POLE):c.2164A>G (p.Arg722Gly)

Gene: POLE (DNA polymerase epsilon, catalytic subunit; minus strand). Cytogenetic location: 12q24.33.
Variant type: single nucleotide variant.
Coding change: c.2164A>G on transcript NM_006231.4 (MANE Select); coding-DNA position 2164, A replaced by G.
Protein change: p.Arg722Gly; replaces arginine 722 with glycine.
Molecular consequence: missense variant.
Genome position (GRCh38, 1-based): chr12:132,668,365, T>C on the plus strand (A>G on the coding strand, the complement: POLE is on the minus strand). VCF-style: chr12-132668365-T-C. GRCh37 (hg19) VCF-style: chr12-133244951-T-C.
Other names: short protein forms R722G.
Identifiers: ClinVar variation 2891228 (VCV002891228.3), dbSNP rs2135974495, ClinGen allele CA387353543.
Genomic context (GRCh38, chr12:132,668,365, plus strand): 5'-GTGGGAGCAGGAGCCACATCTTTACAGCCGTGACCATGCCCAGGCACTCACCCGCCAGCC[T>C]TCTCTTCTCGTATTTCGCCTGTTCCTCGCGGGACAGTTCATGAAAGGCCCGAGCTGGCCC-3'
Protein context (NP_006222.2, residues 712-732): REEQAKYEKR[Arg722Gly]LADYCRKAYK

ClinVar aggregate classification (germline): Uncertain significance (1 of 4 stars; one submission).

Submission:

Labcorp Genetics (formerly Invitae), Labcorp
Classification: Uncertain significance. Last evaluated: 2024-10-30. Review status: criteria provided, single submitter. Criteria: Invitae Variant Classification Sherloc (09022015). Collection method: clinical testing. Allele origin: germline.
Comment: This sequence change replaces arginine, which is basic and polar, with glycine, which is neutral and non-polar, at codon 722 of the POLE protein (p.Arg722Gly). This variant is not present in population databases (gnomAD no frequency). This variant has not been reported in the literature in individuals affected with POLE-related conditions. ClinVar contains an entry for this variant (Variation ID: 2891228). Invitae Evidence Modeling of protein sequence and biophysical properties (such as structural, functional, and spatial information, amino acid conservation, physicochemical variation, residue mobility, and thermodynamic stability) indicates that this missense variant is expected to disrupt POLE protein function with a positive predictive value of 80%. In summary, the available evidence is currently insufficient to determine the role of this variant in disease. Therefore, it has been classified as a Variant of Uncertain Significance.